The following is an entry in ClinVar:

NM_001611.5(ACP5):c.131C>T (p.Thr44Met)

Gene: ACP5 (acid phosphatase 5, tartrate resistant; minus strand). Cytogenetic location: 19p13.2.
Variant type: single nucleotide variant.
Coding change: c.131C>T on transcript NM_001611.5 (MANE Select); coding-DNA position 131, C replaced by T.
Protein change: p.Thr44Met; replaces threonine 44 with methionine.
Molecular consequence: missense variant.
Genome position (GRCh38, 1-based): chr19:11,577,187, G>A on the plus strand (C>T on the coding strand, the complement: ACP5 is on the minus strand). VCF-style: chr19-11577187-G-A. GRCh37 (hg19) VCF-style: chr19-11688002-G-A.
Other names: c.131C>T, p.Thr44Met (LRG_1218t1, NM_001111034.3, NM_001111035.3 and 2 more transcripts); short protein forms T44M.
Identifiers: ClinVar variation 225657 (VCV000225657.11), dbSNP rs369804864, ClinGen allele CA9215522.

ClinVar aggregate classification (germline): Conflicting classifications of pathogenicity. Review status: criteria provided, conflicting classifications (1 of 4 stars). 4 submissions from 4 submitters: Pathogenic (1); Likely pathogenic (1); Uncertain significance (1). 1 of the submissions does not count toward it. Last evaluated 2025-02-10.

Conditions:
Spondyloenchondrodysplasia with immune dysregulation (SPENCDI). Also called: COMBINED IMMUNODEFICIENCY WITH AUTOIMMUNITY AND SPONDYLOMETAPHYSEAL DYSPLASIA; ROIFMAN IMMUNOSKELETAL SYNDROME; SPONDYLOENCHONDRODYSPLASIA WITH OR WITHOUT IMMUNE DYSREGULATION. Identifiers: Orphanet 1855, MedGen C1842763, MONDO:0011939, OMIM 607944.

Allele frequency attached by ClinVar (database versions not stated): ExAC 0.00002; gnomAD exomes 0.00002; TOPMed 0.00002; gnomAD 0.00005; ESP Exome Variant Server 0.00008; 1000 Genomes Project 30x 0.00016; 1000 Genomes Project 0.00020.
gnomAD v4.1: 69 of 1,614,210 alleles (0.0043%); highest among the groups gnomAD compares: Middle Eastern, 0.016%; no homozygotes.

Submissions (4):

Labcorp Genetics (formerly Invitae), Labcorp
Classification: Pathogenic for Spondyloenchondrodysplasia with immune dysregulation. Last evaluated: 2025-02-10. Review status: criteria provided, single submitter. Criteria: Invitae Variant Classification Sherloc (09022015). Collection method: clinical testing. Allele origin: germline.
Comment: This sequence change replaces threonine, which is neutral and polar, with methionine, which is neutral and non-polar, at codon 44 of the ACP5 protein (p.Thr44Met). This variant is present in population databases (rs369804864, gnomAD 0.006%). This missense change has been observed in individual(s) with spondyloenchondrodysplasia (PMID: 26346816, 26951490; internal data). In at least one individual the data is consistent with being in trans (on the opposite chromosome) from a pathogenic variant. It has also been observed to segregate with disease in related individuals. ClinVar contains an entry for this variant (Variation ID: 225657). Invitae Evidence Modeling of protein sequence and biophysical properties (such as structural, functional, and spatial information, amino acid conservation, physicochemical variation, residue mobility, and thermodynamic stability) indicates that this missense variant is expected to disrupt ACP5 protein function with a positive predictive value of 95%. For these reasons, this variant has been classified as Pathogenic.

AiLife Diagnostics
Classification: Likely pathogenic. Last evaluated: 2022-03-22. Review status: criteria provided, single submitter. Criteria: ACMG Guidelines, 2015. Collection method: clinical testing. Allele origin: germline. Affected: yes. Observed: 1 variant allele.

Revvity Omics, Revvity
Classification: Uncertain significance for Spondyloenchondrodysplasia with immune dysregulation. Last evaluated: 2021-04-12. Review status: criteria provided, single submitter. Criteria: ACMG Guidelines, 2015. Collection method: clinical testing. Allele origin: germline.

OMIM
Classification: Pathogenic for SPONDYLOENCHONDRODYSPLASIA WITH IMMUNE DYSREGULATION. Last evaluated: 2017-08-25. Review status: no assertion criteria provided. Collection method: literature only. Allele origin: germline. Not counted in ClinVar's aggregate classification.

Literature cited by the submitters: PubMed 26346816 (cited by 3 submitters); PubMed 26951490 (cited by Labcorp Genetics (formerly Invitae), Labcorp).